The following is an entry in ClinVar:

NM_000075.4(CDK4):c.338C>A (p.Pro113Gln)

Gene: CDK4 (cyclin dependent kinase 4; minus strand). Cytogenetic location: 12q14.1.
Variant type: single nucleotide variant.
Coding change: c.338C>A on transcript NM_000075.4 (MANE Select); coding-DNA position 338, C replaced by A.
Protein change: p.Pro113Gln; replaces proline 113 with glutamine.
Molecular consequence: missense variant.
Genome position (GRCh38, 1-based): chr12:57,751,223, G>T on the plus strand (C>A on the coding strand, the complement: CDK4 is on the minus strand). VCF-style: chr12-57751223-G-T. GRCh37 (hg19) VCF-style: chr12-58145006-G-T.
Other names: short protein forms P113Q.
Identifiers: ClinVar variation 969109 (VCV000969109.11), dbSNP rs1955233297, ClinGen allele CA385547543.
Genomic context (GRCh38, chr12:57,751,223, plus strand): 5'-CAAAGGTCCCAATCCACCTCTCAATGCCTACCAACCCCACTCACCTTGATCGTTTCGGCT[G>T]GCAAGCCTGGTGGGGGTGCCTTGTCCAGATATGTCCTTAGGTCCTGGTCTACATGCTCAA-3'
Protein context (NP_000066.1, residues 103-123): YLDKAPPPGL[Pro113Gln]AETIKDLMRQ

ClinVar aggregate classification (germline): Uncertain significance. Review status: criteria provided, multiple submitters, no conflicts (2 of 4 stars). 2 submissions from 2 submitters: Uncertain significance (2). Last evaluated 2024-12-23.

Conditions:
Hereditary cancer-predisposing syndrome. Also called: Neoplastic Syndromes, Hereditary; Hereditary Cancer Syndrome; Tumor predisposition; Hereditary neoplastic syndrome. Identifiers: Orphanet 140162, MedGen C0027672, MeSH D009386, MONDO:0015356.
Familial melanoma. Also called: Hereditary melanoma; Hereditary cutaneous melanoma. Identifiers: Orphanet 618, MedGen C1512419, MONDO:0018961.

Allele frequency attached by ClinVar (database versions not stated): TOPMed 0.00001.

Submissions (2):

Labcorp Genetics (formerly Invitae), Labcorp
Classification: Uncertain significance for Familial melanoma. Last evaluated: 2024-12-23. Review status: criteria provided, single submitter. Criteria: Invitae Variant Classification Sherloc (09022015). Collection method: clinical testing. Allele origin: germline.
Comment: This sequence change replaces proline, which is neutral and non-polar, with glutamine, which is neutral and polar, at codon 113 of the CDK4 protein (p.Pro113Gln). This variant is not present in population databases (gnomAD no frequency). This variant has not been reported in the literature in individuals affected with CDK4-related conditions. ClinVar contains an entry for this variant (Variation ID: 969109). Invitae Evidence Modeling of protein sequence and biophysical properties (such as structural, functional, and spatial information, amino acid conservation, physicochemical variation, residue mobility, and thermodynamic stability) indicates that this missense variant is not expected to disrupt CDK4 protein function with a negative predictive value of 95%. In summary, the available evidence is currently insufficient to determine the role of this variant in disease. Therefore, it has been classified as a Variant of Uncertain Significance.

Ambry Genetics
Classification: Uncertain significance for Hereditary cancer-predisposing syndrome. Last evaluated: 2023-01-15. Review status: criteria provided, single submitter. Criteria: Ambry Variant Classification Scheme 2023. Collection method: clinical testing. Allele origin: germline.
Comment: The p.P113Q variant (also known as c.338C>A), located in coding exon 2 of the CDK4 gene, results from a C to A substitution at nucleotide position 338. The proline at codon 113 is replaced by glutamine, an amino acid with similar properties. This amino acid position is conserved. In addition, this alteration is predicted to be tolerated by in silico analysis. Since supporting evidence is limited at this time, the clinical significance of this alteration remains unclear.